The following is an entry in ClinVar:

NM_001035.3(RYR2):c.3838T>C (p.Ser1280Pro)

Genes: RYR2 (ryanodine receptor 2; plus strand), LOC126806067 (BRD4-independent group 4 enhancer GRCh37_chr1:237753258-237754457; plus strand). Cytogenetic location: 1q43.
Variant type: single nucleotide variant.
Coding change: c.3838T>C on transcript NM_001035.3 (MANE Select); coding-DNA position 3838, T replaced by C.
Protein change: p.Ser1280Pro; replaces serine 1280 with proline.
Molecular consequence: missense variant.
Genome position (GRCh38, 1-based): chr1:237,590,670, T>C. VCF-style: chr1-237590670-T-C. GRCh37 (hg19) VCF-style: chr1-237753970-T-C.
Other names: short protein forms S1280P.
Identifiers: ClinVar variation 921104 (VCV000921104.7), dbSNP rs1208920889, ClinGen allele CA345397185.

ClinVar aggregate classification (germline): Uncertain significance. Review status: criteria provided, multiple submitters, no conflicts (2 of 4 stars). 2 submissions from 2 submitters: Uncertain significance (2). Last evaluated 2024-03-06.

Conditions:
Catecholaminergic polymorphic ventricular tachycardia 1. Also called: VENTRICULAR TACHYCARDIA, CATECHOLAMINERGIC POLYMORPHIC, 1, WITH OR WITHOUT ATRIAL DYSFUNCTION AND/OR DILATED CARDIOMYOPATHY; RYR2-Related Catecholaminergic Polymorphic Ventricular Tachycardia; VENTRICULAR TACHYCARDIA, STRESS-INDUCED POLYMORPHIC 1. Identifiers: Orphanet 3286, MedGen C1631597, MONDO:0011484, OMIM 604772.
Cardiomyopathy (CMYO). Also called: Cardiomyopathies. Identifiers: Orphanet 167848, MedGen C0878544, MONDO:0004994, HP:0001638. Inheritance: Various modes of inheritance.

Allele frequency attached by ClinVar (database versions not stated): gnomAD exomes below 0.00001.
gnomAD v4.1: 4 of 1,563,336 alleles (0.00026%); highest among the groups gnomAD compares: South Asian, 0.0012%; no homozygotes.

Submissions (2):

Color Diagnostics, LLC DBA Color Health
Classification: Uncertain significance for Cardiomyopathy. Last evaluated: 2024-03-06. Review status: criteria provided, single submitter. Criteria: ACMG Guidelines, 2015. Collection method: clinical testing. Allele origin: germline.
Comment: This missense variant replaces serine with proline at codon 1280 of the RYR2 protein. Computational prediction tool suggests that this variant may not impact protein structure and function (internally defined REVEL score threshold <=0.5, PMID: 27666373). Splice site prediction tools suggest that this variant may not impact RNA splicing. To our knowledge, functional studies have not been performed for this variant. This variant has not been reported in individuals affected with cardiovascular disorders in the literature. This variant has been identified in 1/212302 chromosomes in the general population by the Genome Aggregation Database (gnomAD). The available evidence is insufficient to determine the role of this variant in disease conclusively. Therefore, this variant is classified as a Variant of Uncertain Significance.

Labcorp Genetics (formerly Invitae), Labcorp
Classification: Uncertain significance for Catecholaminergic polymorphic ventricular tachycardia 1. Last evaluated: 2023-04-16. Review status: criteria provided, single submitter. Criteria: Invitae Variant Classification Sherloc (09022015). Collection method: clinical testing. Allele origin: germline.
Comment: In summary, the available evidence is currently insufficient to determine the role of this variant in disease. Therefore, it has been classified as a Variant of Uncertain Significance. Advanced modeling of protein sequence and biophysical properties (such as structural, functional, and spatial information, amino acid conservation, physicochemical variation, residue mobility, and thermodynamic stability) performed at Invitae indicates that this missense variant is not expected to disrupt RYR2 protein function. ClinVar contains an entry for this variant (Variation ID: 921104). This variant has not been reported in the literature in individuals affected with RYR2-related conditions. This variant is present in population databases (no rsID available, gnomAD 0.005%). This sequence change replaces serine, which is neutral and polar, with proline, which is neutral and non-polar, at codon 1280 of the RYR2 protein (p.Ser1280Pro).